The following is an entry in ClinVar:

NM_000601.6(HGF):c.1508C>G (p.Thr503Arg)

Gene: HGF (hepatocyte growth factor; minus strand). Cytogenetic location: 7q21.11.
Variant type: single nucleotide variant.
Coding change: c.1508C>G on transcript NM_000601.6 (MANE Select); coding-DNA position 1508, C replaced by G.
Protein change: p.Thr503Arg; replaces threonine 503 with arginine.
Molecular consequence: missense variant.
Genome position (GRCh38, 1-based): chr7:81,710,180, G>C on the plus strand (C>G on the coding strand, the complement: HGF is on the minus strand). VCF-style: chr7-81710180-G-C. GRCh37 (hg19) VCF-style: chr7-81339496-G-C.
Other names: c.1493C>G, p.Thr498Arg (NM_001010932.3); short protein forms T498R, T503R.
Identifiers: ClinVar variation 4752916 (VCV004752916.1).

ClinVar aggregate classification (germline): Uncertain significance (1 of 4 stars; one submission).

gnomAD v4.1: 21 of 1,612,808 alleles (0.0013%); highest among the groups gnomAD compares: South Asian, 0.023%; no homozygotes.

Submission:

Labcorp Genetics (formerly Invitae), Labcorp
Classification: Uncertain significance. Last evaluated: 2025-11-13. Review status: criteria provided, single submitter. Criteria: Invitae Variant Classification Sherloc (09022015). Collection method: clinical testing. Allele origin: germline.
Comment: This sequence change replaces threonine, which is neutral and polar, with arginine, which is basic and polar, at codon 503 of the HGF protein (p.Thr503Arg). This variant is present in population databases (rs775857995, gnomAD 0.01%). This variant has not been reported in the literature in individuals affected with HGF-related conditions. An algorithm developed to predict the effect of missense changes on protein structure and function (PolyPhen-2) suggests that this variant is likely to be tolerated. In summary, the available evidence is currently insufficient to determine the role of this variant in disease. Therefore, it has been classified as a Variant of Uncertain Significance.